The following is an entry in ClinVar:

NM_002336.3(LRP6):c.3714A>G (p.Gln1238=)

Gene: LRP6 (LDL receptor related protein 6; minus strand). Cytogenetic location: 12p13.2.
Variant type: single nucleotide variant.
Coding change: c.3714A>G on transcript NM_002336.3 (MANE Select); coding-DNA position 3714, A replaced by G.
Protein change: p.Gln1238=; no amino-acid change (glutamine 1238 retained).
Molecular consequence: synonymous variant.
Genome position (GRCh38, 1-based): chr12:12,135,194, T>C on the plus strand (A>G on the coding strand, the complement: LRP6 is on the minus strand). VCF-style: chr12-12135194-T-C. GRCh37 (hg19) VCF-style: chr12-12288128-T-C.
Identifiers: ClinVar variation 509779 (VCV000509779.1), dbSNP rs991900067, ClinGen allele CA232998243.
Genomic context (GRCh38, chr12:12,135,194, plus strand): 5'-TTTGCATTTAGGGTTGCACAAGAAAATTACAACATATTTACCTCCACATGATAGCTCATC[T>C]TGAAGTAGAACCAGGTGCATGGGGCAAGAACACCTTGTAGTACCATCCCCCTTTACAAGA-3'
Protein context (NP_002327.2, residues 1228-1248): CSCPMHLVLL[Gln1238=]DELSCGEPPT

ClinVar aggregate classification (germline): Likely benign (1 of 4 stars; one submission).

Allele frequency attached by ClinVar (database versions not stated): gnomAD 0.00001; gnomAD exomes below 0.00001; TOPMed 0.00001.
gnomAD v4.1: 2 of 1,613,820 alleles (0.00012%); highest among the groups gnomAD compares: Non-Finnish European, 0.00017%; no homozygotes.

Submission:

GeneDx
Classification: Likely benign. Last evaluated: 2017-05-31. Review status: criteria provided, single submitter. Criteria: GeneDx Variant Classification (06012015). Collection method: clinical testing. Allele origin: germline. Affected: yes.
Comment: This variant is considered likely benign or benign based on one or more of the following criteria: it is a conservative change, it occurs at a poorly conserved position in the protein, it is predicted to be benign by multiple in silico algorithms, and/or has population frequency not consistent with disease.